The following is an entry in ClinVar:

ClinVar aggregate classification (germline): Uncertain significance (1 of 4 stars; one submission).

Conditions:
Immunodeficiency 104. Also called: Severe combined immunodeficiency, autosomal recessive, T cell-negative, B cell-positive, NK cell-positive; SCID, AUTOSOMAL RECESSIVE, T CELL-NEGATIVE, B CELL-POSITIVE, NK CELL-POSITIVE; IMMUNODEFICIENCY 104, SEVERE COMBINED; Severe Combined Immune Deficiency, Autosomal Recessive, TCell -Negative, B Cell-Positive, NK Cell-Positive, IL7R-Related. Identifiers: MedGen C5676890, MONDO:0012163, OMIM 608971.

Allele frequency attached by ClinVar (database versions not stated): gnomAD exomes below 0.00001 and 0.00002; ExAC 0.00001; TOPMed 0.00001.
gnomAD v4.1: 2 of 1,610,692 alleles (0.00012%); highest among the groups gnomAD compares: East Asian, 0.0045%; no homozygotes.

Submission:

Labcorp Genetics (formerly Invitae), Labcorp
Classification: Uncertain significance for Immunodeficiency 104. Last evaluated: 2022-07-18. Review status: criteria provided, single submitter. Criteria: Invitae Variant Classification Sherloc (09022015). Collection method: clinical testing. Allele origin: germline.
Comment: This sequence change replaces glutamic acid, which is acidic and polar, with lysine, which is basic and polar, at codon 614 of the PTPRC protein (p.Glu614Lys). This variant is present in population databases (rs754933499, gnomAD 0.02%). This variant has not been reported in the literature in individuals affected with PTPRC-related conditions. ClinVar contains an entry for this variant (Variation ID: 1464880). Algorithms developed to predict the effect of missense changes on protein structure and function (SIFT, PolyPhen-2, Align-GVGD) all suggest that this variant is likely to be disruptive. In summary, the available evidence is currently insufficient to determine the role of this variant in disease. Therefore, it has been classified as a Variant of Uncertain Significance.

NM_002838.5(PTPRC):c.1840G>A (p.Glu614Lys)

Gene: PTPRC (protein tyrosine phosphatase receptor type C; plus strand). Cytogenetic location: 1q32.1.
Variant type: single nucleotide variant.
Coding change: c.1840G>A on transcript NM_002838.5 (MANE Select); coding-DNA position 1840, G replaced by A.
Protein change: p.Glu614Lys; replaces glutamic acid 614 with lysine.
Molecular consequence: missense variant.
Genome position (GRCh38, 1-based): chr1:198,729,147, G>A. VCF-style: chr1-198729147-G-A. GRCh37 (hg19) VCF-style: chr1-198698276-G-A.
Other names: c.1357G>A, p.Glu453Lys (NM_080921.4); short protein forms E453K, E614K.
Identifiers: ClinVar variation 1464880 (VCV001464880.5), dbSNP rs754933499, ClinGen allele CA1314916.
Genomic context (GRCh38, chr1:198,729,147, plus strand): 5'-AATTTTGTGCTTCTTGAGAATATAGAAACTTATTTTTCCTATTTTCACAGCAATTTAGAT[G>A]AACAGCAGGAGCTTGTTGAAAGGGGTAAGTATGTATATTTTTGCTGATGACTATTCCTTC-3'
Protein context (NP_002829.3, residues 604-624): LHKKRSCNLD[Glu614Lys]QQELVERDDE